The following is an entry in ClinVar:

ClinVar aggregate classification (germline): Uncertain significance. Review status: criteria provided, multiple submitters, no conflicts (2 of 4 stars). 6 submissions from 6 submitters: Uncertain significance (5). 1 of the submissions does not count toward it. Last evaluated 2026-09-20.

Conditions:
Niemann-Pick disease, type C1. Also called: NEUROVISCERAL STORAGE DISEASE WITH VERTICAL SUPRANUCLEAR OPHTHALMOPLEGIA; NIEMANN-PICK DISEASE WITH CHOLESTEROL ESTERIFICATION BLOCK; NIEMANN-PICK DISEASE WITHOUT SPHINGOMYELINASE DEFICIENCY; NIEMANN-PICK DISEASE, CHRONIC NEURONOPATHIC FORM; NIEMANN-PICK DISEASE, VARIANT TYPE C1. Identifiers: Orphanet 646, MedGen C3179455, MONDO:0009757, OMIM 257220.
NPC1-related disorder. Also called: NPC1-related condition.

Allele frequency attached by ClinVar (database versions not stated): ExAC 0.00002; gnomAD 0.00002; gnomAD exomes 0.00002; TOPMed 0.00004.
gnomAD v4.1: 33 of 1,614,020 alleles (0.002%); highest among the groups gnomAD compares: South Asian, 0.0044%; no homozygotes.

Submissions (6):

PreventionGenetics, part of Exact Sciences
Classification: Uncertain significance for NPC1-related condition. Last evaluated: 2026-09-20. Review status: criteria provided, single submitter. Criteria: ACMG Guidelines, 2015. Collection method: clinical testing. Allele origin: germline.
Comment: The NPC1 c.1001G>C variant is predicted to result in the amino acid substitution p.Cys334Ser. To our knowledge, this variant has not been reported in the literature in individuals with NPC1-related disorders. This variant is reported in 0.0065% of alleles in individuals of South Asian descent in gnomAD. At this time, the clinical significance of this variant is uncertain due to the absence of conclusive functional and genetic evidence.

Labcorp Genetics (formerly Invitae), Labcorp
Classification: Uncertain significance for Niemann-Pick disease, type C1. Last evaluated: 2022-10-31. Review status: criteria provided, single submitter. Criteria: Invitae Variant Classification Sherloc (09022015). Collection method: clinical testing. Allele origin: germline.
Comment: This sequence change replaces cysteine, which is neutral and slightly polar, with serine, which is neutral and polar, at codon 334 of the NPC1 protein (p.Cys334Ser). This variant is present in population databases (rs199693280, gnomAD 0.007%). This variant has not been reported in the literature in individuals affected with NPC1-related conditions. ClinVar contains an entry for this variant (Variation ID: 992159). Advanced modeling of protein sequence and biophysical properties (such as structural, functional, and spatial information, amino acid conservation, physicochemical variation, residue mobility, and thermodynamic stability) performed at Invitae indicates that this missense variant is not expected to disrupt NPC1 protein function. In summary, the available evidence is currently insufficient to determine the role of this variant in disease. Therefore, it has been classified as a Variant of Uncertain Significance.

Victorian Clinical Genetics Services, Murdoch Childrens Research Institute
Classification: Uncertain significance for Niemann-Pick disease, type C1. Last evaluated: 2022-03-31. Review status: criteria provided, single submitter. Criteria: ACMG Guidelines, 2015. Collection method: clinical testing. Allele origin: germline. Inheritance: Autosomal recessive inheritance.
Comment: Based on the classification scheme VCGS_Germline_v1.3.4, this variant is classified as VUS-3C. Following criteria are met: 0102 - Loss of function is a known mechanism of disease in this gene and is associated with Niemann-Pick disease, type C1 and type D (MIM#257220). (I) 0106 - This gene is associated with autosomal recessive disease. (I) 0200 - Variant is predicted to result in a missense amino acid change from cysteine to serine. (I) 0251 - This variant is heterozygous. (I) 0304 - Variant is present in gnomAD (v2) <0.01 for a recessive condition (6 heterozygotes, 0 homozygotes). (SP) 0504 - Same amino acid change has been observed in placental mammals. (SB) 0604 - Variant is not located in an established domain, motif, hotspot or informative constraint region. (I) 0705 - No comparable missense variants have previous evidence for pathogenicity. (I) 0809 - Previous evidence of pathogenicity for this variant is inconclusive. This variant has been classified as a VUS, and observed in a large cohort from population databases (ClinVar, PMID: 25764212). (I) 0905 - No published segregation evidence has been identified for this variant. (I) 1007 - No published functional evidence has been identified for this variant. (I) 1208 - Inheritance information for this variant is not currently available in this individual. (I) Legend: (SP) - Supporting pathogenic, (I) - Information, (SB) - Supporting benign

Fulgent Genetics
Classification: Uncertain significance for Niemann-Pick disease, type C1. Last evaluated: 2021-11-22. Review status: criteria provided, single submitter. Criteria: ACMG Guidelines, 2015. Collection method: clinical testing. Allele origin: unknown.

Molecular Genetics, Royal Melbourne Hospital
Classification: Uncertain significance for Niemann-Pick disease, type C1. Last evaluated: 2020-11-20. Review status: criteria provided, single submitter. Criteria: ACMG Guidelines, 2015. Collection method: clinical testing. Allele origin: germline.
Comment: This sequence change is predicted to replace cysteine with serine at codon 334 of the NPC1 protein (p.(Cys334Ser)). The cysteine residue is not conserved (100 vertebrates, UCSC), and is located in the cytoplasmic region of the protein that is predicted to have a role in lipid transporter activity. There is a large physicochemical difference between cysteine and serine. The variant is present in a large population cohort at a frequency of 0.002%, which is consistent with a recessive condition (PM2; rs199693280, 6/250,546 alleles, 0 homozygotes in gnomAD v2.1). The variant is not reported in the relevant medical literature and has previously been reported as a variant of uncertain significance (EGL Genetics). Multiple lines of computational evidence predict a benign effect for the missense substitution (5/6 algorithms). However, protein features may be affected by the variant. Based on the classification scheme RMH ACMG Guidelines v1.2.1, this variant is classified as a VARIANT OF UNCERTAIN SIGNIFICANCE. Following criteria are met: PM2.

Natera, Inc.
Classification: Uncertain significance for Niemann-Pick disease type C1. Last evaluated: 2020-06-14. Review status: no assertion criteria provided. Collection method: clinical testing. Allele origin: germline. Not counted in ClinVar's aggregate classification.

Literature cited by the submitters: PubMed 25764212 (cited by Victorian Clinical Genetics Services, Murdoch Childrens Research Institute).

NM_000271.5(NPC1):c.1001G>C (p.Cys334Ser)

Gene: NPC1 (NPC intracellular cholesterol transporter 1; minus strand). Cytogenetic location: 18q11.2.
Variant type: single nucleotide variant.
Coding change: c.1001G>C on transcript NM_000271.5 (MANE Select); coding-DNA position 1001, G replaced by C.
Protein change: p.Cys334Ser; replaces cysteine 334 with serine.
Molecular consequence: missense variant.
Genome position (GRCh38, 1-based): chr18:23,556,568, C>G on the plus strand (G>C on the coding strand, the complement: NPC1 is on the minus strand). VCF-style: chr18-23556568-C-G. GRCh37 (hg19) VCF-style: chr18-21136532-C-G.
Other names: c.1001G>C (NM_000271.4); short protein forms C334S.
Identifiers: ClinVar variation 992159 (VCV000992159.7), dbSNP rs199693280, ClinGen allele CA8913556.
Genomic context (GRCh38, chr18:23,556,568, plus strand): 5'-ATGACACAGCCAGGGTTTCGGACGCAGAAAGACCCCCAGCGTGTGAACAGCCGCCTCAAG[C>G]AGCCCTCAAATGCTGCGCTGACAGGGTCACAGCAGGACGCCTCTCCTGGAAGAACGGGAG-3'
Protein context (NP_000262.2, residues 324-344): CDPVSAAFEG[Cys334Ser]LRRLFTRWGS